The following is an entry in ClinVar:

ClinVar aggregate classification (germline): Uncertain significance (1 of 4 stars; one submission).

gnomAD v4.1: 4 of 1,612,716 alleles (0.00025%); highest among the groups gnomAD compares: South Asian, 0.0011%; no homozygotes.

Submission:

Mayo Clinic Laboratories, Mayo Clinic
Classification: Uncertain significance. Last evaluated: 2023-12-05. Review status: criteria provided, single submitter. Criteria: ACMG Guidelines, 2015. Collection method: clinical testing. Allele origin: germline. Observed: 1 variant allele.
Comment: BP4, PM2_moderate

NM_022489.4(INF2):c.3332T>C (p.Leu1111Pro)

Gene: INF2 (inverted formin 2; plus strand). Cytogenetic location: 14q32.33.
Variant type: single nucleotide variant.
Coding change: c.3332T>C on transcript NM_022489.4 (MANE Select); coding-DNA position 3332, T replaced by C.
Protein change: p.Leu1111Pro; replaces leucine 1111 with proline.
Molecular consequence: missense variant. On other transcripts: non-coding transcript variant (1).
Genome position (GRCh38, 1-based): chr14:104,714,494, T>C. VCF-style: chr14-104714494-T-C. GRCh37 (hg19) VCF-style: chr14-105180831-T-C.
Other names: p.Leu1111Pro; c.3332T>C, p.Leu1111Pro (NM_001031714.4, NM_001426862.1, NM_001426863.1 and 2 more transcripts); short protein forms L1111P.
Identifiers: ClinVar variation 3380241 (VCV003380241.1).